The following is an entry in ClinVar:

NM_198578.4(LRRK2):c.1737G>A (p.Met579Ile)

Gene: LRRK2 (leucine rich repeat kinase 2; plus strand). Cytogenetic location: 12q12.
Variant type: single nucleotide variant.
Coding change: c.1737G>A on transcript NM_198578.4 (MANE Select); coding-DNA position 1737, G replaced by A.
Protein change: p.Met579Ile; replaces methionine 579 with isoleucine.
Molecular consequence: missense variant.
Genome position (GRCh38, 1-based): chr12:40,274,663, G>A. VCF-style: chr12-40274663-G-A. GRCh37 (hg19) VCF-style: chr12-40668465-G-A.
Other names: short protein forms M579I.
Identifiers: ClinVar variation 3291885 (VCV003291885.1).

ClinVar aggregate classification (germline): Uncertain significance (1 of 4 stars; one submission).

Conditions:
Inborn genetic diseases. Identifiers: MedGen C0950123, MeSH D030342.

Submission:

Ambry Genetics
Classification: Uncertain significance for Inborn genetic diseases. Last evaluated: 2024-03-21. Review status: criteria provided, single submitter. Criteria: Ambry Variant Classification Scheme 2023. Collection method: clinical testing. Allele origin: germline.
Comment: The p.M579I variant (also known as c.1737G>A), located in coding exon 15 of the LRRK2 gene, results from a G to A substitution at nucleotide position 1737. The methionine at codon 579 is replaced by isoleucine, an amino acid with highly similar properties. This amino acid position is conserved. In addition, this alteration is predicted to be tolerated by in silico analysis. Based on the available evidence, the clinical significance of this alteration remains unclear.